The following is an entry in ClinVar:

NM_004333.6(BRAF):c.443A>G (p.Asn148Ser)

Gene: BRAF (B-Raf proto-oncogene, serine/threonine kinase; minus strand). Cytogenetic location: 7q34.
Variant type: single nucleotide variant.
Coding change: c.443A>G on transcript NM_004333.6 (MANE Select); coding-DNA position 443, A replaced by G.
Protein change: p.Asn148Ser; replaces asparagine 148 with serine.
Molecular consequence: missense variant. On other transcripts: intron variant (1).
Genome position (GRCh38, 1-based): chr7:140,834,670, T>C on the plus strand (A>G on the coding strand, the complement: BRAF is on the minus strand). VCF-style: chr7-140834670-T-C. GRCh37 (hg19) VCF-style: chr7-140534470-T-C.
Other names: c.443A>G, p.Asn148Ser (NM_001354609.2, NM_001374244.1, NM_001374258.1 and 5 more transcripts); c.341A>G, p.Asn114Ser (NM_001378470.1); c.287A>G, p.Asn96Ser (NM_001378472.1, NM_001378473.1); c.240+15441A>G (NM_001378475.1); short protein forms N96S, N114S, N148S.
Identifiers: ClinVar variation 2118929 (VCV002118929.4), dbSNP rs773266363, ClinGen allele CA369593542.

ClinVar aggregate classification (germline): Uncertain significance (1 of 4 stars; one submission).

Conditions:
RASopathy. Also called: rasopathies; Noonan spectrum disorder. Identifiers: Orphanet 536391, MedGen C5555857, MONDO:0021060.

Submission:

Labcorp Genetics (formerly Invitae), Labcorp
Classification: Uncertain significance for RASopathy. Last evaluated: 2022-03-28. Review status: criteria provided, single submitter. Criteria: Invitae Variant Classification Sherloc (09022015). Collection method: clinical testing. Allele origin: germline.
Comment: This variant is not present in population databases (gnomAD no frequency). In summary, the available evidence is currently insufficient to determine the role of this variant in disease. Therefore, it has been classified as a Variant of Uncertain Significance. Advanced modeling of protein sequence and biophysical properties (such as structural, functional, and spatial information, amino acid conservation, physicochemical variation, residue mobility, and thermodynamic stability) performed at Invitae indicates that this missense variant is not expected to disrupt BRAF protein function. This variant has not been reported in the literature in individuals affected with BRAF-related conditions. This sequence change replaces asparagine, which is neutral and polar, with serine, which is neutral and polar, at codon 148 of the BRAF protein (p.Asn148Ser).